The following is an entry in ClinVar:

NM_003024.3(ITSN1):c.789-5A>G

Gene: ITSN1 (intersectin 1; plus strand). Cytogenetic location: 21q22.11.
Variant type: single nucleotide variant.
Coding change: c.789-5A>G on transcript NM_003024.3 (MANE Select); 5 bases into the intron before coding-DNA position 789, A replaced by G.
Molecular consequence: intron variant.
Genome position (GRCh38, 1-based): chr21:33,765,870, A>G. VCF-style: chr21-33765870-A-G. GRCh37 (hg19) VCF-style: chr21-35138174-A-G.
Other names: c.789-5A>G (NM_001331010.2, NM_001001132.2, NM_001331008.2 and 3 more transcripts); c.678-5A>G (NM_001331012.2).
Identifiers: ClinVar variation 783878 (VCV000783878.6), dbSNP rs147654153, ClinGen allele CA10011428.

ClinVar aggregate classification (germline): Benign. Review status: criteria provided, multiple submitters, no conflicts (2 of 4 stars). 3 submissions from 3 submitters: Benign (2). 1 of the submissions does not count toward it. Last evaluated 2018-05-10.

Conditions:
ITSN1-related disorder. Also called: ITSN1-related condition.

Allele frequency attached by ClinVar (database versions not stated): 1000 Genomes Project 30x 0.00453; 1000 Genomes Project 0.00379; ESP Exome Variant Server 0.00600; gnomAD exomes 0.00143; ExAC 0.00176; gnomAD 0.00558 and 0.00608; TOPMed 0.00623.
gnomAD v4.1: 1,674 of 1,613,978 alleles (0.1%); highest among the groups gnomAD compares: African/African-American, 2.1%; 17 homozygotes.

Submissions (3):

Labcorp Genetics (formerly Invitae), Labcorp
Classification: Benign. Last evaluated: 2018-05-10. Review status: criteria provided, single submitter. Criteria: Invitae Variant Classification Sherloc (09022015). Collection method: clinical testing. Allele origin: germline.

Breakthrough Genomics
Classification: Benign. Review status: criteria provided, single submitter. Criteria: ACMG Guidelines, 2015. Collection method: not provided. Allele origin: germline. Inheritance: Unknown mechanism. Affected: yes.

PreventionGenetics, part of Exact Sciences
Classification: Benign for ITSN1-related condition. Last evaluated: 2020-04-24. Review status: no assertion criteria provided. Collection method: clinical testing. Allele origin: germline. Not counted in ClinVar's aggregate classification.
Comment: This variant is classified as benign based on ACMG/AMP sequence variant interpretation guidelines (Richards et al. 2015 PMID: 25741868, with internal and published modifications).